The following is an entry in ClinVar:

ClinVar aggregate classification (germline): Uncertain significance (1 of 4 stars; one submission).

Conditions:
Familial acute necrotizing encephalopathy (IIAE3). Also called: ENCEPHALOPATHY, ACUTE, INFECTION-INDUCED, SUSCEPTIBILITY TO, 3; Susceptibility to Acute Necrotizing Encephalopathy 1. Identifiers: Orphanet 88619, MedGen C2675556, MONDO:0011953, OMIM 608033.

Submission:

Labcorp Genetics (formerly Invitae), Labcorp
Classification: Uncertain significance for Familial acute necrotizing encephalopathy. Last evaluated: 2024-07-31. Review status: criteria provided, single submitter. Criteria: Invitae Variant Classification Sherloc (09022015). Collection method: clinical testing. Allele origin: germline.
Comment: This sequence change replaces glycine, which is neutral and non-polar, with cysteine, which is neutral and slightly polar, at codon 588 of the RANBP2 protein (p.Gly588Cys). This variant is not present in population databases (gnomAD no frequency). This variant has not been reported in the literature in individuals affected with RANBP2-related conditions. An algorithm developed to predict the effect of missense changes on protein structure and function (PolyPhen-2) suggests that this variant is likely to be tolerated. In summary, the available evidence is currently insufficient to determine the role of this variant in disease. Therefore, it has been classified as a Variant of Uncertain Significance.

NM_006267.5(RANBP2):c.1762G>T (p.Gly588Cys)

Gene: RANBP2 (RAN binding protein 2; plus strand). Cytogenetic location: 2q13.
Variant type: single nucleotide variant.
Coding change: c.1762G>T on transcript NM_006267.5 (MANE Select); coding-DNA position 1762, G replaced by T.
Protein change: p.Gly588Cys; replaces glycine 588 with cysteine.
Molecular consequence: missense variant.
Genome position (GRCh38, 1-based): chr2:108,753,004, G>T. VCF-style: chr2-108753004-G-T. GRCh37 (hg19) VCF-style: chr2-109369460-G-T.
Other names: c.1762G>T, p.Gly588Cys (NM_001415871.1, NM_001415873.1); c.1759G>T, p.Gly587Cys (NM_001415872.1); short protein forms G587C, G588C.
Identifiers: ClinVar variation 3679149 (VCV003679149.2).